The following is an entry in ClinVar:

NM_001142800.2(EYS):c.9061G>C (p.Ala3021Pro)

Genes: EYS (EGF-like photoreceptor maintenance factor; minus strand), PHF3 (PHD finger protein 3; plus strand). Cytogenetic location: 6q12.
Variant type: single nucleotide variant.
Coding change: c.9061G>C on transcript NM_001142800.2 (MANE Select); coding-DNA position 9061, G replaced by C.
Protein change: p.Ala3021Pro; replaces alanine 3021 with proline.
Molecular consequence: missense variant. On other transcripts: 3 prime UTR variant (5).
Genome position (GRCh38, 1-based): chr6:63,720,970, C>G on the plus strand (G>C on the coding strand, the complement: EYS is on the minus strand). VCF-style: chr6-63720970-C-G. GRCh37 (hg19) VCF-style: chr6-64430866-C-G.
Other names: c.*7262C>G (NM_001290259.2, NM_001370348.2, NM_001370349.2 and 2 more transcripts); c.9124G>C, p.Ala3042Pro (NM_001292009.2); short protein forms A3021P, A3042P.
Identifiers: ClinVar variation 1021022 (VCV001021022.18), dbSNP rs569561277, ClinGen allele CA140236804.

ClinVar aggregate classification (germline): Conflicting classifications of pathogenicity. Review status: criteria provided, conflicting classifications (1 of 4 stars). 9 submissions from 9 submitters: Pathogenic (4); Likely pathogenic (4); Uncertain significance (1). Last evaluated 2026-05-11.

Conditions:
Retinal dystrophy. Also called: Inherited retinal dystrophy. Identifiers: Orphanet 71862, MedGen C0854723, MeSH D058499, MONDO:0019118, HP:0000556.
EYS-related disorder. Also called: EYS-related condition.
Retinitis pigmentosa (RP). Identifiers: Orphanet 791, MedGen C0035334, MeSH D012174, MONDO:0019200, OMIM 268000. Inheritance: Autosomal dominant, autosomal recessive and X linked inheritance.
Retinitis pigmentosa 25 (RP25). Identifiers: Orphanet 791, MedGen C1864446, MONDO:0011272, OMIM 602772.

Allele frequency attached by ClinVar (database versions not stated): gnomAD 0.00001; gnomAD exomes 0.00001; TOPMed 0.00003.
gnomAD v4.1: 32 of 1,551,222 alleles (0.0021%); highest among the groups gnomAD compares: Non-Finnish European, 0.0027%; no homozygotes.

Submissions (9):

PreventionGenetics, part of Exact Sciences
Classification: Likely pathogenic for EYS-related condition. Last evaluated: 2026-05-11. Review status: criteria provided, single submitter. Criteria: ACMG Guidelines, 2015. Collection method: clinical testing. Allele origin: germline.
Comment: The EYS c.9061G>C variant is predicted to result in the amino acid substitution p.Ala3021Pro. This variant has been reported in individuals with autosomal recessive retinitis pigmentosa (see for example: Messchaert et al. 2018. PubMed ID: 29159838; Table S5, Ellingford et al. 2017. PubMed ID: 29074561; Supplementary table 3, Zampaglione et al. 2021. PubMed ID: 34906470). This variant is reported in 0.0017% of alleles in individuals of European (Non-Finnish) descent in gnomAD. This variant is interpreted as likely pathogenic.

Myriad Genetics, Inc.
Classification: Likely pathogenic for Retinitis pigmentosa 25. Last evaluated: 2026-03-13. Review status: criteria provided, single submitter. Criteria: Myriad Autosomal Dominant, Autosomal Recessive and X-Linked Classification Criteria (2023). Collection method: clinical testing. Allele origin: unknown.
Comment: NM_001142800.1(EYS):c.9061G>C(A3021P) is a missense variant classified as likely pathogenic in the context of retinitis pigmentosa, EYS-related. A3021P has been observed in cases with relevant disease (PMID: 29159838, 29074561, 32037395). Relevant functional assessments of this variant are not available in the literature. A3021P has been observed in referenced population frequency databases. In summary, NM_001142800.1(EYS):c.9061G>C(A3021P) is a missense variant that has been observed more frequently in cases with the relevant disease than in healthy populations. Please note: this variant was assessed in the context of healthy population screening.

Natera, Inc.
Classification: Likely pathogenic for Retinitis pigmentosa type 25. Last evaluated: 2025-10-02. Review status: criteria provided, single submitter. Criteria: Natera Variant Classification Schema (03/2026). Collection method: clinical testing. Allele origin: germline.
Comment: The c.9061G>C variant in EYS is a missense variant predicted to cause substitution of alanine to proline at amino acid 3021. This variant is rare in the general population with a frequency below the threshold expected for the associated phenotype(s). This variant has been observed in one or more individuals affected with the associated recessive disease, as either homozygous or compound heterozygous with a second variant (PMID: 29159838, 32037395, 29074561). Computational prediction algorithms indicate this variant is likely to affect gene or protein function. Given the available evidence, this variant is classified as Likely Pathogenic.

Women's Health and Genetics/Laboratory Corporation of America, LabCorp
Classification: Pathogenic for Retinitis pigmentosa. Last evaluated: 2025-06-25. Review status: criteria provided, single submitter. Criteria: LabCorp Variant Classification Summary - May 2015. Collection method: clinical testing. Allele origin: germline.
Comment: Variant summary: EYS c.9061G>C (p.Ala3021Pro) results in a non-conservative amino acid change located in the Laminin G domain (IPR001791) of the encoded protein sequence. Algorithms developed to predict the effect of missense changes on protein structure and function are either unavailable or do not agree on the potential impact of this missense change. The variant allele was found at a frequency of 6.4e-06 in 156072 control chromosomes (gnomAD). c.9061G>C has been observed in multiple individuals affected with inherited retinal disorders including Retinitis Pigmentosa (e.g., Messchaert_2018, Ellingford_2018, Zampaglione_2020, Zampaglione_2022, Labcorp (formerly Invitae)). These data indicate that the variant is very likely to be associated with disease. The following publications have been ascertained in the context of this evaluation (PMID: 32037395, 29074561, 29159838, 34906470, 39462066). ClinVar contains an entry for this variant (Variation ID: 1021022). Based on the evidence outlined above, the variant was classified as pathogenic.

Labcorp Genetics (formerly Invitae), Labcorp
Classification: Pathogenic. Last evaluated: 2024-04-27. Review status: criteria provided, single submitter. Criteria: Invitae Variant Classification Sherloc (09022015). Collection method: clinical testing. Allele origin: germline.
Comment: This sequence change replaces alanine, which is neutral and non-polar, with proline, which is neutral and non-polar, at codon 3021 of the EYS protein (p.Ala3021Pro). This variant is present in population databases (rs569561277, gnomAD 0.002%). This missense change has been observed in individual(s) with inherited retinal dystrophy (PMID: 29074561, 29159838, 32037395; Invitae). In at least one individual the data is consistent with being in trans (on the opposite chromosome) from a pathogenic variant. ClinVar contains an entry for this variant (Variation ID: 1021022). Advanced modeling of protein sequence and biophysical properties (such as structural, functional, and spatial information, amino acid conservation, physicochemical variation, residue mobility, and thermodynamic stability) has been performed at Invitae for this missense variant, however the output from this modeling did not meet the statistical confidence thresholds required to predict the impact of this variant on EYS protein function. For these reasons, this variant has been classified as Pathogenic.

Baylor Genetics
Classification: Pathogenic for Retinitis pigmentosa 25. Last evaluated: 2024-03-07. Review status: criteria provided, single submitter. Criteria: ACMG Guidelines, 2015. Collection method: clinical testing. Allele origin: unknown.

Institute of Human Genetics, Univ. Regensburg, Univ. Regensburg
Classification: Likely pathogenic for Retinal dystrophy. Last evaluated: 2023-01-01. Review status: criteria provided, single submitter. Criteria: ACMG Guidelines, 2015. Collection method: clinical testing. Allele origin: germline. Affected: yes.

Blueprint Genetics
Classification: Pathogenic for EYS-related disorders. Last evaluated: 2022-11-18. Review status: criteria provided, single submitter. Criteria: ACMG Guidelines, 2015. Collection method: clinical testing. Allele origin: germline. Affected: yes. Observed: 5 variant alleles.

Ocular Genomics Institute, Massachusetts Eye and Ear
Classification: Uncertain significance for Retinitis pigmentosa 25. Last evaluated: 2021-04-08. Review status: criteria provided, single submitter. Criteria: ACMG Guidelines, 2015. Collection method: research. Allele origin: germline. Affected: yes.
Comment: Through a review of available evidence we were able to apply the following criteria: PM2, PP3. Based on this evidence we have classified this variant as Variant of Uncertain Significance.

Literature cited by the submitters: PubMed 29074561 (cited by 5 submitters); PubMed 29159838 (cited by 6 submitters); PubMed 32037395 (cited by 5 submitters); PubMed 34906470 (cited by Women's Health and Genetics/Laboratory Corporation of America, LabCorp); PubMed 39462066 (cited by Women's Health and Genetics/Laboratory Corporation of America, LabCorp); PubMed 28041643 (cited by Ocular Genomics Institute, Massachusetts Eye and Ear); PubMed 25491159 (cited by Ocular Genomics Institute, Massachusetts Eye and Ear).